The following is an entry in ClinVar:

NM_033133.5(CNP):c.705G>C (p.Lys235Asn)

Gene: CNP (2',3'-cyclic nucleotide 3' phosphodiesterase; plus strand). Cytogenetic location: 17q21.2.
Variant type: single nucleotide variant.
Coding change: c.705G>C on transcript NM_033133.5 (MANE Select); coding-DNA position 705, G replaced by C.
Protein change: p.Lys235Asn; replaces lysine 235 with asparagine.
Molecular consequence: missense variant.
Genome position (GRCh38, 1-based): chr17:41,971,920, G>C. VCF-style: chr17-41971920-G-C. GRCh37 (hg19) VCF-style: chr17-40123938-G-C.
Other names: c.705G>C (NM_033133.4); c.645G>C, p.Lys215Asn (NM_001330216.2); short protein forms K215N, K235N.
Identifiers: ClinVar variation 2647779 (VCV002647779.25), dbSNP rs199706471, ClinGen allele CA8569559.

ClinVar aggregate classification (germline): Likely benign. Review status: criteria provided, single submitter (1 of 4 stars). 2 submissions from 2 submitters: Likely benign (1). 1 of the submissions does not count toward it. Last evaluated 2025-05-01.

Conditions:
CNP-related disorder. Also called: CNP-related condition.

Allele frequency attached by ClinVar (database versions not stated): 1000 Genomes Project 0.00020; 1000 Genomes Project 30x 0.00031; ESP Exome Variant Server 0.00065; gnomAD 0.00098; gnomAD exomes 0.00121; TOPMed 0.00121; ExAC 0.00149.
gnomAD v4.1: 1,927 of 1,613,912 alleles (0.12%); highest among the groups gnomAD compares: Admixed American, 0.22%; 2 homozygotes.

Submissions (2):

CeGaT Center for Human Genetics Tuebingen
Classification: Likely benign. Last evaluated: 2025-05-01. Review status: criteria provided, single submitter. Criteria: CeGaT Center For Human Genetics Tuebingen Variant Classification Criteria Version 2. Collection method: clinical testing. Allele origin: germline. Affected: yes. Observed: 2 variant alleles.
Comment: CNP: BP4

PreventionGenetics, part of Exact Sciences
Classification: Likely benign for CNP-related condition. Last evaluated: 2022-05-18. Review status: no assertion criteria provided. Collection method: clinical testing. Allele origin: germline. Not counted in ClinVar's aggregate classification.
Comment: This variant is classified as likely benign based on ACMG/AMP sequence variant interpretation guidelines (Richards et al. 2015 PMID: 25741868, with internal and published modifications).